The following is an entry in ClinVar:

NM_001256545.2(MEGF10):c.1187G>C (p.Cys396Ser)

Gene: MEGF10 (multiple EGF like domains 10; plus strand). Cytogenetic location: 5q23.2.
Variant type: single nucleotide variant.
Coding change: c.1187G>C on transcript NM_001256545.2 (MANE Select); coding-DNA position 1187, G replaced by C.
Protein change: p.Cys396Ser; replaces cysteine 396 with serine.
Molecular consequence: missense variant.
Genome position (GRCh38, 1-based): chr5:127,417,694, G>C. VCF-style: chr5-127417694-G-C. GRCh37 (hg19) VCF-style: chr5-126753386-G-C.
Other names: c.1187G>C, p.Cys396Ser (NM_001308119.2, NM_001308121.2, NM_032446.3); short protein forms C396S.
Identifiers: ClinVar variation 3896909 (VCV003896909.1).

ClinVar aggregate classification (germline): Uncertain significance (1 of 4 stars; one submission).

Submission:

Kariminejad - Najmabadi Pathology & Genetics Center
Classification: Uncertain significance. Last evaluated: 2016-09-11. Review status: criteria provided, single submitter. Criteria: ACMG Guidelines, 2015. Collection method: clinical testing. Allele origin: germline. Inheritance: Autosomal recessive inheritance. Affected: yes.
Comment: PM2, PM3_Supporting, PP3